The following is an entry in ClinVar:

ClinVar aggregate classification (germline): Likely pathogenic (1 of 4 stars; one submission).

Conditions:
Generalized epilepsy with febrile seizures plus, type 2 (GEFSP2). Also called: GEFS+, TYPE 2. Identifiers: Orphanet 36387, MedGen C1858673, MONDO:0011461, OMIM 604403.

Submission:

Institute of Human Genetics, University of Leipzig Medical Center
Classification: Likely pathogenic for Generalized epilepsy with febrile seizures plus, type 2. Last evaluated: 2022-11-10. Review status: criteria provided, single submitter. Criteria: ACMG Guidelines, 2015. Collection method: clinical testing. Allele origin: unknown. Affected: yes.
Comment: This variant was identified as de novo (maternity and paternity confirmed)._x000D_ Criteria applied: PS2_SUP, PS4_SUP, PM1, PM2_SUP, PP2, PP3

NM_001165963.4(SCN1A):c.4778T>A (p.Ile1593Asn)

Genes: SCN1A (sodium voltage-gated channel alpha subunit 1; minus strand), LOC102724058 (uncharacterized LOC102724058; plus strand). Cytogenetic location: 2q24.3.
Variant type: single nucleotide variant.
Coding change: c.4778T>A on transcript NM_001165963.4 (MANE Select); coding-DNA position 4778, T replaced by A.
Protein change: p.Ile1593Asn; replaces isoleucine 1593 with asparagine.
Molecular consequence: missense variant. On other transcripts: non-coding transcript variant (1).
Genome position (GRCh38, 1-based): chr2:165,994,220, A>T on the plus strand (T>A on the coding strand, the complement: SCN1A is on the minus strand). VCF-style: chr2-165994220-A-T. GRCh37 (hg19) VCF-style: chr2-166850730-A-T.
Other names: c.4694T>A, p.Ile1565Asn (NM_001165964.3, NM_001353957.2, NM_001353958.2); c.4778T>A, p.Ile1593Asn (NM_001202435.3, NM_001353948.2); c.4745T>A, p.Ile1582Asn (NM_001353949.2, NM_001353950.2, NM_001353951.2 and 2 more transcripts); c.4742T>A, p.Ile1581Asn (NM_001353954.2, NM_001353955.2); c.4691T>A, p.Ile1564Asn (NM_001353960.2); c.2336T>A, p.Ile779Asn (NM_001353961.2); short protein forms I1564N, I1565N, I1581N, I1582N, I1593N, I779N.
Identifiers: ClinVar variation 1804118 (VCV001804118.1), dbSNP rs2468358708, ClinGen allele CA349071557.